The following is an entry in ClinVar:

ClinVar aggregate classification (germline): Uncertain significance. Review status: criteria provided, multiple submitters, no conflicts (2 of 4 stars). 2 submissions from 2 submitters: Uncertain significance (2). Last evaluated 2026-04-19.

Conditions:
Short-rib thoracic dysplasia 10 with or without polydactyly (SRTD10). Identifiers: Orphanet 474, MedGen C3810175, MONDO:0014284, OMIM 615630.
Retinitis pigmentosa 71 (RP71). Identifiers: Orphanet 791, MedGen C4225342, MONDO:0014618, OMIM 616394.
IFT172-related disorder. Also called: IFT172-related disorders; IFT172-related condition.

Allele frequency attached by ClinVar (database versions not stated): gnomAD 0.00001.
gnomAD v4.1: 1 of 1,612,966 alleles (0.000062%); highest among the groups gnomAD compares: African/African-American, 0.0013%; no homozygotes.

Submissions (2):

PreventionGenetics, part of Exact Sciences
Classification: Uncertain significance for IFT172-related condition. Last evaluated: 2026-04-19. Review status: criteria provided, single submitter. Criteria: ACMG Guidelines, 2015. Collection method: clinical testing. Allele origin: germline.
Comment: The IFT172 c.4997A>G variant is predicted to result in the amino acid substitution p.Glu1666Gly. To our knowledge, this variant has not been reported in the literature or in a large population database (gnomAD), indicating this variant is rare. At this time, the clinical significance of this variant is uncertain due to the absence of conclusive functional and genetic evidence.

Labcorp Genetics (formerly Invitae), Labcorp
Classification: Uncertain significance for Retinitis pigmentosa 71; Short-rib thoracic dysplasia 10 with or without polydactyly. Last evaluated: 2025-02-17. Review status: criteria provided, single submitter. Criteria: Invitae Variant Classification Sherloc (09022015). Collection method: clinical testing. Allele origin: germline.
Comment: This sequence change replaces glutamic acid, which is acidic and polar, with glycine, which is neutral and non-polar, at codon 1666 of the IFT172 protein (p.Glu1666Gly). This variant is not present in population databases (gnomAD no frequency). This variant has not been reported in the literature in individuals affected with IFT172-related conditions. ClinVar contains an entry for this variant (Variation ID: 1405644). Invitae Evidence Modeling of protein sequence and biophysical properties (such as structural, functional, and spatial information, amino acid conservation, physicochemical variation, residue mobility, and thermodynamic stability) has been performed for this missense variant. However, the output from this modeling did not meet the statistical confidence thresholds required to predict the impact of this variant on IFT172 protein function. In summary, the available evidence is currently insufficient to determine the role of this variant in disease. Therefore, it has been classified as a Variant of Uncertain Significance.

NM_015662.3(IFT172):c.4997A>G (p.Glu1666Gly)

Genes: IFT172 (intraflagellar transport 172; minus strand), KRTCAP3 (keratinocyte associated protein 3; plus strand). Cytogenetic location: 2p23.3.
Variant type: single nucleotide variant.
Coding change: c.4997A>G on transcript NM_015662.3 (MANE Select); coding-DNA position 4997, A replaced by G.
Protein change: p.Glu1666Gly; replaces glutamic acid 1666 with glycine.
Molecular consequence: missense variant. On other transcripts: intron variant (1).
Genome position (GRCh38, 1-based): chr2:27,445,367, T>C on the plus strand (A>G on the coding strand, the complement: IFT172 is on the minus strand). VCF-style: chr2-27445367-T-C. GRCh37 (hg19) VCF-style: chr2-27668234-T-C.
Other names: c.*6-934T>C (NM_001168364.2); c.4931A>G, p.Glu1644Gly (NM_001410739.1); short protein forms E1666G, E1644G.
Identifiers: ClinVar variation 1405644 (VCV001405644.10), dbSNP rs1664968356, ClinGen allele CA346413749.
Genomic context (GRCh38, chr2:27,445,367, plus strand): 5'-CAGGGCAGGGCTCGAACACCAGTGCTCGCTGCCACTAGGGAGGCCTCGTAGGCGCCACGC[T>C]CATCCCGAGGCAGAACCTGCTCCAGCCGCTGGTCCATGGAGACTGTAAGCACCCAGTCTC-3'
Protein context (NP_056477.1, residues 1656-1676): QRLEQVLPRD[Glu1666Gly]RGAYEASLVA